The following is an entry in ClinVar:

NM_201596.3(CACNB2):c.1517G>A (p.Arg506His)

Gene: CACNB2 (calcium voltage-gated channel auxiliary subunit beta 2; plus strand). Cytogenetic location: 10p12.31.
Variant type: single nucleotide variant.
Coding change: c.1517G>A on transcript NM_201596.3 (MANE Select); coding-DNA position 1517, G replaced by A.
Protein change: p.Arg506His; replaces arginine 506 with histidine.
Molecular consequence: missense variant.
Genome position (GRCh38, 1-based): chr10:18,539,258, G>A. VCF-style: chr10-18539258-G-A. GRCh37 (hg19) VCF-style: chr10-18828187-G-A.
Other names: c.1352G>A, p.Arg451His (NM_000724.4); c.1319G>A, p.Arg440His (NM_001167945.2); c.1238G>A, p.Arg413His (NM_001330060.2); c.1373G>A, p.Arg458His (NM_201570.3); c.1433G>A, p.Arg478His (NM_201571.4); c.1361G>A, p.Arg454His (NM_201572.4); c.1355G>A, p.Arg452His (NM_201590.3); c.1403G>A, p.Arg468His (NM_201593.3); and 1 more; short protein forms R451H, R468H, R478H, R482H, R454H, R506H, R413H, R440H.
Identifiers: ClinVar variation 953793 (VCV000953793.13), dbSNP rs532262049, ClinGen allele CA5430083.

ClinVar aggregate classification (germline): Uncertain significance. Review status: criteria provided, multiple submitters, no conflicts (2 of 4 stars). 2 submissions from 2 submitters: Uncertain significance (2). Last evaluated 2024-06-16.

Conditions:
Cardiovascular phenotype. Identifiers: MedGen CN230736.
Brugada syndrome 4 (BRGDA4). Identifiers: Orphanet 130, MedGen C2678477, MONDO:0012743, OMIM 611876.

Allele frequency attached by ClinVar (database versions not stated): gnomAD exomes 0.00001 and 0.00003; ExAC 0.00002; TOPMed 0.00002; gnomAD 0.00003 and 0.00004; 1000 Genomes Project 30x 0.00016; 1000 Genomes Project 0.00020.
gnomAD v4.1: 44 of 1,613,860 alleles (0.0027%); highest among the groups gnomAD compares: South Asian, 0.0088%; no homozygotes.

Submissions (2):

Ambry Genetics
Classification: Uncertain significance for Cardiovascular phenotype. Last evaluated: 2024-06-16. Review status: criteria provided, single submitter. Criteria: Ambry Variant Classification Scheme 2023. Collection method: clinical testing. Allele origin: germline.
Comment: The p.R452H variant (also known as c.1355G>A), located in coding exon 13 of the CACNB2 gene, results from a G to A substitution at nucleotide position 1355. The arginine at codon 452 is replaced by histidine, an amino acid with highly similar properties. This amino acid position is conserved. In addition, this alteration is predicted to be tolerated by in silico analysis. Since supporting evidence is limited at this time, the clinical significance of this alteration remains unclear.

Labcorp Genetics (formerly Invitae), Labcorp
Classification: Uncertain significance for Brugada syndrome 4. Last evaluated: 2022-12-07. Review status: criteria provided, single submitter. Criteria: Invitae Variant Classification Sherloc (09022015). Collection method: clinical testing. Allele origin: germline.
Comment: In summary, the available evidence is currently insufficient to determine the role of this variant in disease. Therefore, it has been classified as a Variant of Uncertain Significance. Advanced modeling of protein sequence and biophysical properties (such as structural, functional, and spatial information, amino acid conservation, physicochemical variation, residue mobility, and thermodynamic stability) performed at Invitae indicates that this missense variant is not expected to disrupt CACNB2 protein function. ClinVar contains an entry for this variant (Variation ID: 953793). This variant has not been reported in the literature in individuals affected with CACNB2-related conditions. This variant is present in population databases (rs532262049, gnomAD 0.006%). This sequence change replaces arginine, which is basic and polar, with histidine, which is basic and polar, at codon 452 of the CACNB2 protein (p.Arg452His).